The following is an entry in ClinVar:

NM_004525.3(LRP2):c.5680A>G (p.Ser1894Gly)

Gene: LRP2 (LDL receptor related protein 2; minus strand). Cytogenetic location: 2q31.1.
Variant type: single nucleotide variant.
Coding change: c.5680A>G on transcript NM_004525.3 (MANE Select); coding-DNA position 5680, A replaced by G.
Protein change: p.Ser1894Gly; replaces serine 1894 with glycine.
Molecular consequence: missense variant.
Genome position (GRCh38, 1-based): chr2:169,216,399, T>C on the plus strand (A>G on the coding strand, the complement: LRP2 is on the minus strand). VCF-style: chr2-169216399-T-C. GRCh37 (hg19) VCF-style: chr2-170072909-T-C.
Other names: c.5680A>G (NM_004525.2); short protein forms S1894G.
Identifiers: ClinVar variation 1985067 (VCV001985067.4), dbSNP rs2545832237, ClinGen allele CA349136149.

ClinVar aggregate classification (germline): Uncertain significance. Review status: criteria provided, multiple submitters, no conflicts (2 of 4 stars). 3 submissions from 3 submitters: Uncertain significance (3). Last evaluated 2023-02-23.

Conditions:
Inborn genetic diseases. Identifiers: MedGen C0950123, MeSH D030342.

Allele frequency attached by ClinVar (database versions not stated): gnomAD exomes 0.00001.
gnomAD v4.1: 18 of 1,613,608 alleles (0.0011%); highest among the groups gnomAD compares: Non-Finnish European, 0.0014%; no homozygotes.

Submissions (3):

Ambry Genetics
Classification: Uncertain significance for Inborn genetic diseases. Last evaluated: 2023-02-23. Review status: criteria provided, single submitter. Criteria: Ambry Variant Classification Scheme 2023. Collection method: clinical testing. Allele origin: germline.

Blueprint Genetics
Classification: Uncertain significance. Last evaluated: 2022-11-25. Review status: criteria provided, single submitter. Criteria: ACMG Guidelines, 2015. Collection method: clinical testing. Allele origin: germline.

Labcorp Genetics (formerly Invitae), Labcorp
Classification: Uncertain significance. Last evaluated: 2022-03-11. Review status: criteria provided, single submitter. Criteria: Invitae Variant Classification Sherloc (09022015). Collection method: clinical testing. Allele origin: germline.
Comment: This sequence change replaces serine, which is neutral and polar, with glycine, which is neutral and non-polar, at codon 1894 of the LRP2 protein (p.Ser1894Gly). This variant is not present in population databases (gnomAD no frequency). This variant has not been reported in the literature in individuals affected with LRP2-related conditions. Advanced modeling of protein sequence and biophysical properties (such as structural, functional, and spatial information, amino acid conservation, physicochemical variation, residue mobility, and thermodynamic stability) performed at Invitae indicates that this missense variant is not expected to disrupt LRP2 protein function. In summary, the available evidence is currently insufficient to determine the role of this variant in disease. Therefore, it has been classified as a Variant of Uncertain Significance.